The following is an entry in ClinVar:

ClinVar aggregate classification (germline): Pathogenic/Likely pathogenic. Review status: criteria provided, multiple submitters, no conflicts (2 of 4 stars). 5 submissions from 5 submitters: Pathogenic (3); Likely pathogenic (2). Last evaluated 2026-05-13.

Conditions:
STRC-related disorder. Also called: STRC-related condition.
Rare genetic deafness. Identifiers: Orphanet 96210, MedGen C5680250.
Autosomal recessive nonsyndromic hearing loss 16. Also called: DFNB16 Nonsyndromic Hearing Loss and Deafness; DEAFNESS, AUTOSOMAL RECESSIVE 16. Identifiers: Orphanet 90636, MedGen C1863561, MONDO:0011364, OMIM 603720.

Allele frequency attached by ClinVar (database versions not stated): ExAC 0.00001; gnomAD 0.00002 and 0.00003; gnomAD exomes 0.00002 and 0.00006; TOPMed 0.00002; ESP Exome Variant Server 0.00008.
gnomAD v4.1: 88 of 1,605,464 alleles (0.0055%); highest among the groups gnomAD compares: Middle Eastern, 0.016%; no homozygotes.

Submissions (5):

GeneDx
Classification: Likely pathogenic. Last evaluated: 2026-05-13. Review status: criteria provided, single submitter. Criteria: GeneDx Variant Classification Process June 2021. Collection method: clinical testing. Allele origin: germline.
Comment: Nonsense variant predicted to result in protein truncation as the last 46 amino acids are lost; This variant is associated with the following publications: (PMID: 35022556, 29339441, 36633841, 41430084)

Blueprint Genetics
Classification: Pathogenic for STRC-related disorders. Last evaluated: 2023-10-26. Review status: criteria provided, single submitter. Criteria: ACMG Guidelines, 2015. Collection method: clinical testing. Allele origin: germline. Affected: yes. Observed: 4 variant alleles.

King Laboratory, University of Washington
Classification: Pathogenic for Autosomal recessive nonsyndromic hearing loss 16. Last evaluated: 2023-02-28. Review status: criteria provided, single submitter. Criteria: Li et al. (Genet Med. 2022). Collection method: research. Allele origin: unknown. Affected: yes.
Comment: This variant occurred in compound heterozygosity with an STRC full gene deletion in a patient with bilateral sensorineural hearing loss of onset <18 years, in a study of pediatric hearing loss conducted by the King Laboratory (Carlson RJ et al. JAMA-OtoHNS 2023). This variant is a nonsense leading to an early stop at position 1730 of 1775 in the stereocilin protein. As of January 2023, this variant has been reported to ClinVar as likely pathogenic and is found in 6 heterozygotes on gnomAD. Based on the prediction that this variant leads to a truncated protein, compound heterozygosity with a loss-of-function variant, and goodness of fit of genotype to phenotype, we conclude that this variant is pathogenic.

Laboratory for Molecular Medicine, Mass General Brigham Personalized Medicine
Classification: Likely pathogenic for Rare genetic deafness. Last evaluated: 2016-08-16. Review status: criteria provided, single submitter. Criteria: LMM Criteria. Collection method: clinical testing. Allele origin: germline. Observed: 3 variant alleles.
Comment: The p.Arg1730X variant in STRC has now been identified by our laboratory in two individuals with hearing loss, who both harbored a deletion of the STRC gene on the remaining allele. This variant has also been identified in 1/5598 Latino chr omosomes by the Exome Aggregation Consortium (ExAC, rg; dbSNP rs139956283); however, this frequency is low enough to be consistent w ith a recessive carrier frequency. This alteration occurs 51 bases from the end of the second to last exon and is predicted to lead to a truncated or absent pro tein. In summary, although additional studies are required to fully establish it s clinical significance, the p.Arg1730X variant is likely pathogenic based on it s identification in multiple affected individuals, its occurrence in trans with another pathogenic variant in the same gene, and the predicted impact to the pro tein.

Juno Genomics, Hangzhou Juno Genomics, Inc
Classification: Pathogenic for Autosomal recessive nonsyndromic hearing loss 16. Review status: criteria provided, single submitter. Criteria: ACMG Guidelines, 2015. Collection method: clinical testing. Allele origin: germline. Affected: yes.
Comment: Absent from controls (or at extremely low frequency if recessive) in Genome Aggregation Database, Exome Sequencing Project, 1000 Genomes Project, or Exome Aggregation Consortium.;Null variant in a gene where loss of function (LOF) is a known mechanism of disease.;For recessive disorders, detected in trans with a pathogenic variant.

Literature cited by the submitters: PubMed 36633841 (cited by King Laboratory, University of Washington).

NM_153700.2(STRC):c.5188C>T (p.Arg1730Ter)

Gene: STRC (stereocilin; minus strand). Cytogenetic location: 15q15.3.
Variant type: single nucleotide variant.
Coding change: c.5188C>T on transcript NM_153700.2 (MANE Select); coding-DNA position 5188, C replaced by T.
Protein change: p.Arg1730Ter; replaces arginine 1730 with a stop codon.
Molecular consequence: nonsense.
Genome position (GRCh38, 1-based): chr15:43,600,011, G>A on the plus strand (C>T on the coding strand, the complement: STRC is on the minus strand). VCF-style: chr15-43600011-G-A. GRCh37 (hg19) VCF-style: chr15-43892209-G-A.
Other names: short protein forms R1730*.
Identifiers: ClinVar variation 165298 (VCV000165298.11), dbSNP rs139956283, ClinGen allele CA273230.